The following is an entry in ClinVar:

ClinVar aggregate classification (germline): Uncertain significance (1 of 4 stars; one submission).

Conditions:
Ulnar-mammary syndrome (UMS). Also called: SCHINZEL SYNDROME; PALLISTER ULNAR-MAMMARY SYNDROME; Ulnar-mammary syndrome of Pallister. Identifiers: Orphanet 3138, MedGen C1866994, MONDO:0008411, OMIM 181450.

Submission:

Labcorp Genetics (formerly Invitae), Labcorp
Classification: Uncertain significance for Ulnar-mammary syndrome. Last evaluated: 2022-06-05. Review status: criteria provided, single submitter. Criteria: Invitae Variant Classification Sherloc (09022015). Collection method: clinical testing. Allele origin: germline.
Comment: Algorithms developed to predict the effect of missense changes on protein structure and function are either unavailable or do not agree on the potential impact of this missense change (SIFT: "Deleterious"; PolyPhen-2: "Probably Damaging"; Align-GVGD: "Class C0"). This sequence change replaces cysteine, which is neutral and slightly polar, with tyrosine, which is neutral and polar, at codon 140 of the TBX3 protein (p.Cys140Tyr). This variant is not present in population databases (gnomAD no frequency). This variant has not been reported in the literature in individuals affected with TBX3-related conditions. In summary, the available evidence is currently insufficient to determine the role of this variant in disease. Therefore, it has been classified as a Variant of Uncertain Significance.

NM_005996.4(TBX3):c.419G>A (p.Cys140Tyr)

Gene: TBX3 (T-box transcription factor 3; minus strand). Cytogenetic location: 12q24.21.
Variant type: single nucleotide variant.
Coding change: c.419G>A on transcript NM_005996.4 (MANE Select); coding-DNA position 419, G replaced by A.
Protein change: p.Cys140Tyr; replaces cysteine 140 with tyrosine.
Molecular consequence: missense variant.
Genome position (GRCh38, 1-based): chr12:114,681,117, C>T on the plus strand (G>A on the coding strand, the complement: TBX3 is on the minus strand). VCF-style: chr12-114681117-C-T. GRCh37 (hg19) VCF-style: chr12-115118922-C-T.
Other names: c.419G>A, p.Cys140Tyr (NM_016569.4); short protein forms C140Y.
Identifiers: ClinVar variation 2002553 (VCV002002553.4), dbSNP rs2499797118, ClinGen allele CA386871958.